The following is an entry in ClinVar:

ClinVar aggregate classification (germline): Conflicting classifications of pathogenicity. Review status: criteria provided, conflicting classifications (1 of 4 stars). 3 submissions from 3 submitters: Uncertain significance (1); Likely benign (2). Last evaluated 2021-07-15.

Conditions:
Renal carnitine transport defect (CDSP). Also called: CARNITINE DEFICIENCY, SYSTEMIC, DUE TO DEFECT IN RENAL REABSORPTION OF CARNITINE; CARNITINE TRANSPORTER, PLASMA-MEMBRANE, DEFICIENCY OF; CARNITINE UPTAKE DEFECT; Systemic primary carnitine deficiency; Primary carnitine deficiency; Carnitine transporter deficiency. Identifiers: Orphanet 158, MedGen C0342788, MONDO:0008919, OMIM 212140.

Allele frequency attached by ClinVar (database versions not stated): ESP Exome Variant Server 0.00008; TOPMed 0.00020; gnomAD 0.00023; gnomAD exomes 0.00025 and 0.00028; ExAC 0.00034.

Submissions (3):

Genome-Nilou Lab
Classification: Likely benign for Renal carnitine transport defect. Last evaluated: 2021-07-15. Review status: criteria provided, single submitter. Criteria: ACMG Guidelines, 2015. Collection method: clinical testing. Allele origin: germline. Affected: no.

GeneDx
Classification: Likely benign. Last evaluated: 2018-03-06. Review status: criteria provided, single submitter. Criteria: GeneDx Variant Classification (06012015). Collection method: clinical testing. Allele origin: germline. Affected: yes.
Comment: This variant is considered likely benign or benign based on one or more of the following criteria: it is a conservative change, it occurs at a poorly conserved position in the protein, it is predicted to be benign by multiple in silico algorithms, and/or has population frequency not consistent with disease.

Illumina Laboratory Services, Illumina
Classification: Uncertain significance for Renal carnitine transport defect. Last evaluated: 2017-04-28. Review status: criteria provided, single submitter. Criteria: ICSL Variant Classification Criteria 13 December 2019. Collection method: clinical testing. Allele origin: germline.

NM_003060.4(SLC22A5):c.-26G>A

Gene: SLC22A5 (solute carrier family 22 member 5; plus strand). Cytogenetic location: 5q31.1.
Variant type: single nucleotide variant.
Coding change: c.-26G>A on transcript NM_003060.4 (MANE Select); 26 bases upstream of the start codon, G replaced by A.
Molecular consequence: 5 prime UTR variant.
Genome position (GRCh38, 1-based): chr5:132,369,947, G>A. VCF-style: chr5-132369947-G-A. GRCh37 (hg19) VCF-style: chr5-131705639-G-A.
Other names: c.-26G>A (NM_001308122.2).
Identifiers: ClinVar variation 506453 (VCV000506453.8), dbSNP rs369724970, ClinGen allele CA3403757.
Genomic context (GRCh38, chr5:132,369,947, plus strand): 5'-GTCGGCGGCGGGTGCCCCGCGCGCACGCGCAAAGCCCGCCGCGTTCCCCGACCCCAGGCC[G>A]CGCTCTGTGGGCCTCTGAGGGCGGCATGCGGGACTACGACGAGGTGACCGCCTTCCTGGG-3'